The following is an entry in ClinVar:

ClinVar aggregate classification (germline): Uncertain significance. Review status: criteria provided, multiple submitters, no conflicts (2 of 4 stars). 2 submissions from 2 submitters: Uncertain significance (2). Last evaluated 2024-12-18.

Conditions:
DICER1-related tumor predisposition. Also called: DICER1-related pleuropulmonary blastoma cancer predisposition syndrome; DICER1 syndrome. Identifiers: Orphanet 284343, MedGen C3839822, MONDO:0100216.
Hereditary cancer-predisposing syndrome. Also called: Tumor predisposition; Neoplastic Syndromes, Hereditary; Hereditary Cancer Syndrome; Hereditary neoplastic syndrome. Identifiers: Orphanet 140162, MedGen C0027672, MeSH D009386, MONDO:0015356.

Submissions (2):

Ambry Genetics
Classification: Uncertain significance for Hereditary cancer-predisposing syndrome. Last evaluated: 2024-12-18. Review status: criteria provided, single submitter. Criteria: Ambry Variant Classification Scheme 2023. Collection method: clinical testing. Allele origin: germline.
Comment: The p.S1252T variant (also known as c.3754T>A), located in coding exon 20 of the DICER1 gene, results from a T to A substitution at nucleotide position 3754. The serine at codon 1252 is replaced by threonine, an amino acid with similar properties. This amino acid position is highly conserved in available vertebrate species. In addition, the in silico prediction for this alteration is inconclusive. Based on the available evidence, the clinical significance of this variant remains unclear.

Labcorp Genetics (formerly Invitae), Labcorp
Classification: Uncertain significance for DICER1-related tumor predisposition. Last evaluated: 2024-11-26. Review status: criteria provided, single submitter. Criteria: Invitae Variant Classification Sherloc (09022015). Collection method: clinical testing. Allele origin: germline.
Comment: This sequence change replaces serine, which is neutral and polar, with threonine, which is neutral and polar, at codon 1252 of the DICER1 protein (p.Ser1252Thr). This variant is not present in population databases (gnomAD no frequency). This variant has not been reported in the literature in individuals affected with DICER1-related conditions. ClinVar contains an entry for this variant (Variation ID: 2586397). Invitae Evidence Modeling of protein sequence and biophysical properties (such as structural, functional, and spatial information, amino acid conservation, physicochemical variation, residue mobility, and thermodynamic stability) indicates that this missense variant is not expected to disrupt DICER1 protein function with a negative predictive value of 95%. In summary, the available evidence is currently insufficient to determine the role of this variant in disease. Therefore, it has been classified as a Variant of Uncertain Significance.

NM_177438.3(DICER1):c.3754T>A (p.Ser1252Thr)

Gene: DICER1 (dicer 1, ribonuclease III; minus strand). Cytogenetic location: 14q32.13.
Variant type: single nucleotide variant.
Coding change: c.3754T>A on transcript NM_177438.3 (MANE Select); coding-DNA position 3754, T replaced by A.
Protein change: p.Ser1252Thr; replaces serine 1252 with threonine.
Molecular consequence: missense variant. On other transcripts: non-coding transcript variant (6).
Genome position (GRCh38, 1-based): chr14:95,103,642, A>T on the plus strand (T>A on the coding strand, the complement: DICER1 is on the minus strand). VCF-style: chr14-95103642-A-T. GRCh37 (hg19) VCF-style: chr14-95569979-A-T.
Other names: c.3754T>A, p.Ser1252Thr (NM_001195573.1, NM_001271282.3, NM_001291628.2 and 13 more transcripts); c.3472T>A, p.Ser1158Thr (NM_001395686.1); c.3349T>A, p.Ser1117Thr (NM_001395687.1, NM_001395688.1, NM_001395689.1 and 2 more transcripts); c.3187T>A, p.Ser1063Thr (NM_001395691.1); c.2071T>A, p.Ser691Thr (NM_001395697.1); short protein forms S1063T, S1252T, S691T, S1117T, S1158T.
Identifiers: ClinVar variation 2586397 (VCV002586397.5), dbSNP rs1566767568, ClinGen allele CA390873652.